The following is an entry in ClinVar:

NM_000481.4(AMT):c.552C>T (p.Gly184=)

Gene: AMT (aminomethyltransferase; minus strand). Cytogenetic location: 3p21.31.
Variant type: single nucleotide variant.
Coding change: c.552C>T on transcript NM_000481.4 (MANE Select); coding-DNA position 552, C replaced by T.
Protein change: p.Gly184=; no amino-acid change (glycine 184 retained).
Molecular consequence: synonymous variant. On other transcripts: non-coding transcript variant (1).
Genome position (GRCh38, 1-based): chr3:49,419,404, G>A on the plus strand (C>T on the coding strand, the complement: AMT is on the minus strand). VCF-style: chr3-49419404-G-A. GRCh37 (hg19) VCF-style: chr3-49456837-G-A.
Other names: c.420C>T, p.Gly140= (NM_001164710.2); c.384C>T, p.Gly128= (NM_001164711.2); c.552C>T, p.Gly184= (NM_001164712.2).
Identifiers: ClinVar variation 1574038 (VCV001574038.32), dbSNP rs771745221, ClinGen allele CA2398311.

ClinVar aggregate classification (germline): Likely benign. Review status: criteria provided, multiple submitters, no conflicts (2 of 4 stars). 2 submissions from 2 submitters: Likely benign (2). Last evaluated 2023-07-19.

Conditions:
Glycine encephalopathy. Also called: Non-ketotic hyperglycinemia; Nonketotic hyperglycinemia. Identifiers: Orphanet 407, MedGen C0751748, MONDO:0011612, HP:0008288.

Allele frequency attached by ClinVar (database versions not stated): gnomAD exomes below 0.00001; ExAC 0.00001.

Submissions (2):

Labcorp Genetics (formerly Invitae), Labcorp
Classification: Likely benign for Glycine encephalopathy. Last evaluated: 2023-07-19. Review status: criteria provided, single submitter. Criteria: Invitae Variant Classification Sherloc (09022015). Collection method: clinical testing. Allele origin: germline.

CeGaT Center for Human Genetics Tuebingen
Classification: Likely benign. Last evaluated: 2022-11-01. Review status: criteria provided, single submitter. Criteria: CeGaT Center For Human Genetics Tuebingen Variant Classification Criteria Version 2. Collection method: clinical testing. Allele origin: germline. Affected: yes. Observed: 1 variant allele.
Comment: AMT: BP4, BP7